The following is an entry in ClinVar:

ClinVar aggregate classification (germline): Pathogenic (1 of 4 stars; one submission).

Conditions:
Glycogen storage disease, type IV (GSD4). Also called: AMYLOPECTINOSIS; ANDERSEN DISEASE; BRANCHER DEFICIENCY; CIRRHOSIS, FAMILIAL, WITH DEPOSITION OF ABNORMAL GLYCOGEN; GBE1 DEFICIENCY; GLYCOGEN BRANCHING ENZYME DEFICIENCY. Identifiers: Orphanet 367, MedGen C0017923, MONDO:0009292, OMIM 232500.

Submission:

Myriad Genetics, Inc.
Classification: Pathogenic for Glycogen storage disease, type IV. Last evaluated: 2025-04-23. Review status: criteria provided, single submitter. Criteria: Myriad Autosomal Dominant, Autosomal Recessive and X-Linked Classification Criteria (2023). Collection method: clinical testing. Allele origin: unknown.
Comment: NM_000158.3(GBE1):c.1527delT(F509Lfs*14) is expected to be pathogenic in the context of glycogen storage disease, GBE1-related. This variant is predicted to lead to an abnormal or absent protein product due to the creation of a premature termination codon in GBE1, a gene where loss-of-function variants are known to be pathogenic. Please note: this variant was assessed in the context of healthy population screening.

NM_000158.4(GBE1):c.1527del (p.Phe509fs)

Gene: GBE1 (1,4-alpha-glucan branching enzyme 1; minus strand). Cytogenetic location: 3p12.2.
Variant type: Deletion.
Coding change: c.1527del on transcript NM_000158.4 (MANE Select); coding-DNA position 1527, one base deleted (T; older notation c.1527delT).
Protein change: p.Phe509fs; shifts the reading frame from phenylalanine 509.
Molecular consequence: frameshift variant.
Genome position (GRCh38, 1-based): chr3:81,578,016, A deleted on the plus strand (T on the coding strand, the reverse complement: GBE1 is on the minus strand); the first of 4 consecutive A bases (chr3:81,578,016-81,578,019); deleting any one gives the same sequence. VCF-style (leftmost placement, unchanged base first): chr3-81578015-TA-T. GRCh37 (hg19) VCF-style: chr3-81627166-TA-T.
Other names: short protein forms F509fs.
Identifiers: ClinVar variation 5014349 (VCV005014349.1).
Genomic context (GRCh38, chr3:81,578,015, plus strand): 5'-GCCCATGCGTAATGAGTCGAATCATTTTATGAAGCTGTATTCCACGATCAATAACTGGAG[TA>T]AAAGGAGTCAGGACACTCATGTTTGTATACATTTCGGCATCCATCAACCAAAATGCCAGC-3'